The following continues an entry in ClinVar:

NM_002905.5(RDH5):c.712G>T (p.Gly238Trp)

ClinVar aggregate classification (germline): Pathogenic/Likely pathogenic. Pathogenic (18); Likely pathogenic (1).

Submissions 16 to 21 of 21:

GeneDx
Classification: Pathogenic. Last evaluated: 2018-12-18. Review status: criteria provided, single submitter. Criteria: GeneDx Variant Classification Process June 2021. Collection method: clinical testing. Allele origin: germline. Affected: yes.
Comment: Published functional studies demonstrate a damaging effect; variant causes reduced enzymatic activity and different staining pattern with a strong perinuclear localization for G238W mutant cells compared to wild type (Liden et al., 2001; Yamamoto et al., 1999); In silico analysis, which includes protein predictors and evolutionary conservation, supports a deleterious effect; This variant is associated with the following publications: (PMID: 31456290, 32141364, 17476461, 20829743, 10617778, 18949499, 10369264, 11675386)

Eurofins Ntd Llc (ga)
Classification: Pathogenic. Last evaluated: 2016-11-29. Review status: criteria provided, single submitter. Criteria: EGL Classification Definitions 2015. Collection method: clinical testing. Allele origin: germline. Observed: 1 variant allele, 1 heterozygote.

Clinical Genetics Service, Universitary Hospital 12 de Octubre
Classification: Pathogenic for Pigmentary retinal dystrophy. Review status: criteria provided, single submitter. Criteria: ACMG Guidelines, 2015. Collection method: clinical testing. Allele origin: germline. Affected: yes.

Juno Genomics, Hangzhou Juno Genomics, Inc
Classification: Pathogenic for Pigmentary retinal dystrophy. Review status: criteria provided, single submitter. Criteria: ACMG Guidelines, 2015. Collection method: clinical testing. Allele origin: germline.
Comment: Absent from controls (or at extremely low frequency if recessive) in Genome Aggregation Database.;Well-established in vitro or in vivo functional studies supportive of a damaging effect on the gene or gene product.;Co-segregation with disease in multiple affected family members.;For recessive disorders, detected in trans with a pathogenic variant.

Sharon lab, Hadassah-Hebrew University Medical Center
Classification: Pathogenic for Fundus albipunctatus. Last evaluated: 2019-06-23. Review status: no assertion criteria provided. Collection method: research. Allele origin: inherited. Affected: yes. Not counted in ClinVar's aggregate classification.

OMIM
Classification: Pathogenic for FUNDUS ALBIPUNCTATUS, AUTOSOMAL RECESSIVE. Last evaluated: 1999-12-30. Review status: no assertion criteria provided. Collection method: literature only. Allele origin: germline. Not counted in ClinVar's aggregate classification.

Literature cited by the submitters: PubMed 10369264 (cited by 7 submitters); PubMed 11675386 (cited by 5 submitters); PubMed 10617778 (cited by 6 submitters); PubMed 31456290 (cited by Dasa and Institute of Human Genetics, Univ. Regensburg, Univ. Regensburg); PubMed 32141364 (cited by Dasa and Institute of Human Genetics, Univ. Regensburg, Univ. Regensburg); PubMed 17476461 (cited by 4 submitters); PubMed 20829743 (cited by Variantyx, Inc. and Eurofins Ntd Llc (ga)); PubMed 18949499 (cited by 3 submitters); PubMed 36909829 (cited by Ophthalmic Genetics Group, Institute of Molecular and Clinical Ophthalmology Basel); PubMed 31964843 (cited by Institute of Human Genetics, Univ. Regensburg, Univ. Regensburg); PubMed 32531858 (cited by Institute of Human Genetics, Univ. Regensburg, Univ. Regensburg); PubMed 31963381 (cited by Institute of Human Genetics, Univ. Regensburg, Univ. Regensburg); PubMed 34327195 (cited by Institute of Human Genetics, Univ. Regensburg, Univ. Regensburg); PubMed 34426522 (cited by Institute of Human Genetics, Univ. Regensburg, Univ. Regensburg); PubMed 34493867 (cited by Institute of Human Genetics, Univ. Regensburg, Univ. Regensburg); PubMed 36460718 (cited by Institute of Human Genetics, Univ. Regensburg, Univ. Regensburg); PubMed 21529959 (cited by Eurofins Ntd Llc (ga)).